The following is an entry in ClinVar:

NM_032638.5(GATA2):c.433G>C (p.Gly145Arg)

Gene: GATA2 (GATA binding protein 2; minus strand). Cytogenetic location: 3q21.3.
Variant type: single nucleotide variant.
Coding change: c.433G>C on transcript NM_032638.5 (MANE Select); coding-DNA position 433, G replaced by C.
Protein change: p.Gly145Arg; replaces glycine 145 with arginine.
Molecular consequence: missense variant.
Genome position (GRCh38, 1-based): chr3:128,486,165, C>G on the plus strand (G>C on the coding strand, the complement: GATA2 is on the minus strand). VCF-style: chr3-128486165-C-G. GRCh37 (hg19) VCF-style: chr3-128205008-C-G.
Other names: c.433G>C, p.Gly145Arg (NM_001145661.2, NM_001145662.1); short protein forms G145R.
Identifiers: ClinVar variation 2042732 (VCV002042732.4), dbSNP rs2107672664, ClinGen allele CA354406771.

ClinVar aggregate classification (germline): Uncertain significance (1 of 4 stars; one submission).

Conditions:
Deafness-lymphedema-leukemia syndrome. Also called: Emberger syndrome; Lymphedema, primary, with myelodysplasia. Identifiers: Orphanet 3226, MedGen C3279664, MONDO:0013540, OMIM 614038.
Monocytopenia with susceptibility to infections. Also called: GATA2 DEFICIENCY; MONOCYTOPENIA AND MYCOBACTERIAL INFECTION SYNDROME; MONOCYTOPENIA WITH SUSCEPTIBILITY TO MYCOBACTERIAL, FUNGAL, AND PAPILLOMAVIRUS INFECTIONS AND MYELODYSPLASIA; COMBINED IMMUNODEFICIENCY WITH SUSCEPTIBILITY TO MYCOBACTERIAL, VIRAL, AND FUNGAL INFECTIONS; Dendritic cell, monocyte, B lymphocyte, and natural killer lymphocyte deficiency; IMMUNODEFICIENCY 21. Identifiers: Orphanet 228423, MedGen C3280030, MONDO:0013607, OMIM 614172.

Submission:

Labcorp Genetics (formerly Invitae), Labcorp
Classification: Uncertain significance for Monocytopenia with susceptibility to infections; Deafness-lymphedema-leukemia syndrome. Last evaluated: 2022-11-15. Review status: criteria provided, single submitter. Criteria: Invitae Variant Classification Sherloc (09022015). Collection method: clinical testing. Allele origin: germline.
Comment: This sequence change replaces glycine, which is neutral and non-polar, with arginine, which is basic and polar, at codon 145 of the GATA2 protein (p.Gly145Arg). This variant is not present in population databases (gnomAD no frequency). In summary, the available evidence is currently insufficient to determine the role of this variant in disease. Therefore, it has been classified as a Variant of Uncertain Significance. Advanced modeling of protein sequence and biophysical properties (such as structural, functional, and spatial information, amino acid conservation, physicochemical variation, residue mobility, and thermodynamic stability) performed at Invitae indicates that this missense variant is not expected to disrupt GATA2 protein function. This variant has not been reported in the literature in individuals affected with GATA2-related conditions.